The following is an entry in ClinVar:

ClinVar aggregate classification (germline): Uncertain significance (1 of 4 stars; one submission).

Submission:

Ambry Genetics
Classification: Uncertain significance. Last evaluated: 2026-08-09. Review status: criteria provided, single submitter. Criteria: Ambry Variant Classification Scheme 2023. Collection method: clinical testing. Allele origin: germline.
Comment: The p.F242I variant (also known as c.724T>A), located in coding exon 5 of the ATRIP gene, results from a T to A substitution at nucleotide position 724. The phenylalanine at codon 242 is replaced by isoleucine, an amino acid with highly similar properties. This amino acid position is conserved. In addition, this alteration is predicted to be tolerated by in silico analysis. Based on the available evidence, the clinical significance of this variant remains unclear.

NM_130384.3(ATRIP):c.724T>A (p.Phe242Ile)

Genes: ATRIP (ATR interacting protein; plus strand), ATRIP-TREX1 (ATRIP-TREX1 readthrough; plus strand). Cytogenetic location: 3p21.31.
Variant type: single nucleotide variant.
Coding change: c.724T>A on transcript NM_130384.3 (MANE Select); coding-DNA position 724, T replaced by A.
Protein change: p.Phe242Ile; replaces phenylalanine 242 with isoleucine.
Molecular consequence: missense variant. On other transcripts: non-coding transcript variant (1).
Genome position (GRCh38, 1-based): chr3:48,457,311, T>A. VCF-style: chr3-48457311-T-A. GRCh37 (hg19) VCF-style: chr3-48498711-T-A.
Other names: c.343T>A, p.Phe115Ile (NM_001271022.2); c.445T>A, p.Phe149Ile (NM_001271023.2); c.724T>A, p.Phe242Ile (NM_032166.4); short protein forms F149I, F115I, F242I.
Identifiers: ClinVar variation 5032453 (VCV005032453.1).
Genomic context (GRCh38, chr3:48,457,311, plus strand): 5'-TTTTCCAGTCCTAGGAAAAACCCTTCTGTGGTTATAAAGCCAGAAGCATGTTCTCCACAA[T>A]TTGGAAAAACATCTTTTCCTACAAAGGAGTCTTTTAGTGCTAACATGTCCCTTCCCCACC-3'
Protein context (NP_569055.1, residues 232-252): VIKPEACSPQ[Phe242Ile]GKTSFPTKES